The following is an entry in ClinVar:

NM_172364.5(CACNA2D4):c.2267A>T (p.Asp756Val)

Gene: CACNA2D4 (calcium voltage-gated channel auxiliary subunit alpha2delta 4; minus strand). Cytogenetic location: 12p13.33.
Variant type: single nucleotide variant.
Coding change: c.2267A>T on transcript NM_172364.5 (MANE Select); coding-DNA position 2267, A replaced by T.
Protein change: p.Asp756Val; replaces aspartic acid 756 with valine.
Molecular consequence: missense variant.
Genome position (GRCh38, 1-based): chr12:1,846,669, T>A on the plus strand (A>T on the coding strand, the complement: CACNA2D4 is on the minus strand). VCF-style: chr12-1846669-T-A. GRCh37 (hg19) VCF-style: chr12-1955835-T-A.
Other names: short protein forms D756V.
Identifiers: ClinVar variation 998915 (VCV000998915.8), dbSNP rs1865152185, ClinGen allele CA383359662.
Genomic context (GRCh38, chr12:1,846,669, plus strand): 5'-TCGGAGCCCACGAACAAGCTGCTTCTCAGGAGGCCAGCCCGGGTGCCCAGGAAGGCCATG[T>A]CCACCACGTGTTCAGACTCCCTGTGTGGCAGACAGAGCGGGAATGGTCACCACATGGCTG-3'
Protein context (NP_758952.4, residues 746-766): NMSEESEHVV[Asp756Val]MAFLGTRAGL

ClinVar aggregate classification (germline): Uncertain significance (1 of 4 stars; one submission).

Submission:

Labcorp Genetics (formerly Invitae), Labcorp
Classification: Uncertain significance. Last evaluated: 2022-07-19. Review status: criteria provided, single submitter. Criteria: Invitae Variant Classification Sherloc (09022015). Collection method: clinical testing. Allele origin: germline.
Comment: In summary, the available evidence is currently insufficient to determine the role of this variant in disease. Therefore, it has been classified as a Variant of Uncertain Significance. Algorithms developed to predict the effect of missense changes on protein structure and function are either unavailable or do not agree on the potential impact of this missense change (SIFT: "Deleterious"; PolyPhen-2: "Benign"; Align-GVGD: "Class C0"). ClinVar contains an entry for this variant (Variation ID: 998915). This variant has not been reported in the literature in individuals affected with CACNA2D4-related conditions. This variant is not present in population databases (gnomAD no frequency). This sequence change replaces aspartic acid, which is acidic and polar, with valine, which is neutral and non-polar, at codon 756 of the CACNA2D4 protein (p.Asp756Val).